The following is an entry in ClinVar:

ClinVar aggregate classification (germline): Pathogenic/Likely pathogenic. Review status: criteria provided, multiple submitters, no conflicts (2 of 4 stars). 8 submissions from 8 submitters: Pathogenic (4); Likely pathogenic (2). 2 of the submissions do not count toward it. Last evaluated 2025-08-06.

Conditions:
Inborn genetic diseases. Identifiers: MedGen C0950123, MeSH D030342.
Tay-Sachs disease (TSD). Also called: HEXA DEFICIENCY; Hexosaminidase A Deficiency; HEXA Disorders; GM2 gangliosidosis, type 1; Hexosaminidase alpha-subunit deficiency (variant B); Sphingolipidosis, Tay-Sachs. Identifiers: Orphanet 845, MedGen C0039373, MONDO:0010100, OMIM 272800.

Allele frequency attached by ClinVar (database versions not stated): gnomAD 0.00001; gnomAD exomes 0.00001; TOPMed 0.00003.

Submissions (8):

Natera, Inc.
Classification: Likely pathogenic for Tay-Sachs disease. Last evaluated: 2025-08-06. Review status: criteria provided, single submitter. Criteria: Natera Variant Classification Schema (03/2026). Collection method: clinical testing. Allele origin: germline.
Comment: The c.1444G>A variant in HEXA is a missense variant predicted to cause substitution of glutamic acid to lysine at amino acid 482. This variant is rare in the general population with a frequency below the threshold expected for the associated phenotype(s). This variant has been observed in one or more individuals affected with the associated recessive disease, as either homozygous or compound heterozygous with a second variant (PMID: 8490625, 1301190). Functional studies show that this variant may disrupt protein function (PMID: 27682588). Computational prediction algorithms indicate this variant is likely to affect gene or protein function. Given the available evidence, this variant is classified as Likely Pathogenic.

Labcorp Genetics (formerly Invitae), Labcorp
Classification: Pathogenic for Tay-Sachs disease. Last evaluated: 2024-08-14. Review status: criteria provided, single submitter. Criteria: Invitae Variant Classification Sherloc (09022015). Collection method: clinical testing. Allele origin: germline.
Comment: This sequence change replaces glutamic acid, which is acidic and polar, with lysine, which is basic and polar, at codon 482 of the HEXA protein (p.Glu482Lys). This variant is present in population databases (rs121907952, gnomAD 0.006%). This missense change has been observed in individual(s) with hexosaminidase A deficiency (PMID: 1301190, 2970528, 9338583, 16088929). ClinVar contains an entry for this variant (Variation ID: 3892). Invitae Evidence Modeling of protein sequence and biophysical properties (such as structural, functional, and spatial information, amino acid conservation, physicochemical variation, residue mobility, and thermodynamic stability) indicates that this missense variant is expected to disrupt HEXA protein function with a positive predictive value of 95%. Experimental studies have shown that this missense change affects HEXA function (PMID: 1301190, 8328462, 27682588). For these reasons, this variant has been classified as Pathogenic.

Victorian Clinical Genetics Services, Murdoch Childrens Research Institute
Classification: Pathogenic for Tay-Sachs disease. Last evaluated: 2023-07-16. Review status: criteria provided, single submitter. Criteria: ACMG Guidelines, 2015. Collection method: clinical testing. Allele origin: germline. Inheritance: Autosomal recessive inheritance. Affected: yes.
Comment: Based on the classification scheme VCGS_Germline_v1.3.4, this variant is classified as Pathogenic. Following criteria are met: 0102 - Loss of function is a known mechanism of disease in this gene and is associated with Tay-Sachs disease (MIM#272800). (I) 0106 - This gene is associated with autosomal recessive disease. (I) 0200 - Variant is predicted to result in a missense amino acid change from glutamic acid to lysine. (I) 0251 - This variant is heterozygous. (I) 0304 - Variant is present in gnomAD <0.01 for a recessive condition (v2: 2 heterozygotes, 0 homozygotes). (SP) 0501 - Missense variant consistently predicted to be damaging by multiple in silico tools or highly conserved with a major amino acid change. (SP) 0600 - Variant is located in the annotated glycosyl hydrolase family 20, catalytic domain (DECIPHER). (I) 0705 - No comparable missense variants have previous evidence for pathogenicity. (I) 0801 - This variant has strong previous evidence of pathogenicity in unrelated individuals. It has been reported in at least two patients with Tay Sachs disease and has been classified as likely pathogenic and pathogenic by diagnostic laboratories (ClinVar; PMIDs: 1301190, 2970528, 16088929, 34800199, 31069529). (SP) 0905 - No published segregation evidence has been identified for this variant. (I) 1001 - This variant has strong functional evidence supporting abnormal protein function. Studies on patient fibroblasts demonstrated markedly reduced enzymatic activities and in vitro analysis demonstrated this is due to altered folding and inability to be secreted (PMID: 27682588). (I) Legend: (SP) - Supporting pathogenic, (I) - Information, (SB) - Supporting benign

Women's Health and Genetics/Laboratory Corporation of America, LabCorp
Classification: Pathogenic for Tay-Sachs disease. Last evaluated: 2023-05-05. Review status: criteria provided, single submitter. Criteria: LabCorp Variant Classification Summary - May 2015. Collection method: clinical testing. Allele origin: germline.
Comment: Variant summary: HEXA c.1444G>A (p.Glu482Lys) results in a conservative amino acid change located in the Glycoside hydrolase family 20, catalytic domain (IPR015883) of the encoded protein sequence. Four of five in-silico tools predict a damaging effect of the variant on protein function. The variant allele was found at a frequency of 8e-06 in 251424 control chromosomes. c.1444G>A has been reported in the literature as a homozygous genotype in multiple individuals affected with Tay-Sachs Disease and in settings of multigene panel testing for neurological disorders (example, Nakano_1988, Akli_1993 overlapping Poenaru_1994, Montalvo_2005, Ganapathy_2019). These data indicate that the variant is very likely to be associated with disease. At least one publication reports experimental evidence evaluating an impact on protein function (Dersh_2019). The most pronounced variant effect results in abolishment of enzymatic activity against MUGS substrate, unprocessed by lysosomal proteases and altered folding as compared to the wild-type enzyme. This study also demonstrated that this variant retrotranslocated from the endoplasmic reticulum (ER) to the cytosol and was degraded by the proteasome, indicating clearance via ER-associated degradation (ERAD). The following publications have been ascertained in the context of this evaluation (PMID: 8490625, 27682588, 31069529, 16088929, 2970528, 7858168). Four clinical diagnostic laboratories have submitted clinical-significance assessments for this variant to ClinVar after 2014 without evidence for independent evaluation. All laboratories classified the variant as pathogenic/likely pathogenic. Based on the evidence outlined above, the variant was classified as pathogenic.

Mayo Clinic Laboratories, Mayo Clinic
Classification: Pathogenic. Last evaluated: 2022-12-08. Review status: criteria provided, single submitter. Criteria: ACMG Guidelines, 2015. Collection method: clinical testing. Allele origin: germline. Observed: 1 variant allele.
Comment: PP3, PM2, PM3, PS3, PS4_moderate

Ambry Genetics
Classification: Likely pathogenic for Inborn genetic diseases. Last evaluated: 2021-08-27. Review status: criteria provided, single submitter. Criteria: Ambry Variant Classification Scheme 2023. Collection method: clinical testing. Allele origin: germline.
Comment: The c.1444G>A (p.E482K) alteration is located in exon 13 (coding exon 13) of the HEXA gene. This alteration results from a G to A substitution at nucleotide position 1444, causing the glutamic acid (E) at amino acid position 482 to be replaced by a lysine (K). Based on data from gnomAD, the A allele has an overall frequency of <0.01% (2/251424) total alleles studied. This alteration has been reported in patients with Tay-Sachs disease (Nakano, 1988; Montalvo, 2005). Based on internal structural analysis, this variant is highly destabilizing to the local structure (Novak, 1994; Hou, 1996; Hou, 1998; Hepbildikler, 2002; Lemieux, 2006). Enzymatic activity was undetectable in both cultured patient fibroblasts and cells transiently expressing p.E482K. In addition, p.E482K was severely misfolded and degraded by the proteosome (Brown, 1993; Dersh, 2016). This alteration is predicted to be deleterious by in silico analysis. Based on the available evidence, this alteration is classified as likely pathogenic.

Counsyl
Classification: Likely pathogenic for Tay-Sachs disease. Last evaluated: 2016-02-10. Review status: no assertion criteria provided. Collection method: clinical testing. Allele origin: unknown. Not counted in ClinVar's aggregate classification.

OMIM
Classification: Pathogenic for TAY-SACHS DISEASE. Last evaluated: 2008-08-01. Review status: no assertion criteria provided. Collection method: literature only. Allele origin: germline. Not counted in ClinVar's aggregate classification.

Literature cited by the submitters: PubMed 8490625 (cited by Natera, Inc. and Women's Health and Genetics/Laboratory Corporation of America, LabCorp); PubMed 1301190 (cited by 6 submitters); PubMed 27682588 (cited by 6 submitters); PubMed 2970528 (cited by 7 submitters); PubMed 9338583 (cited by Labcorp Genetics (formerly Invitae), Labcorp and Mayo Clinic Laboratories, Mayo Clinic); PubMed 16088929 (cited by 6 submitters); PubMed 8328462 (cited by 4 submitters); PubMed 31069529 (cited by 3 submitters); PubMed 34800199 (cited by Victorian Clinical Genetics Services, Murdoch Childrens Research Institute); PubMed 7858168 (cited by 3 submitters); PubMed 17259242 (cited by Mayo Clinic Laboratories, Mayo Clinic); PubMed 18490185 (cited by Mayo Clinic Laboratories, Mayo Clinic and OMIM); PubMed 31367523 (cited by Mayo Clinic Laboratories, Mayo Clinic); PubMed 32529985 (cited by Mayo Clinic Laboratories, Mayo Clinic); PubMed 34288098 (cited by Mayo Clinic Laboratories, Mayo Clinic); PubMed 8673609 (cited by Mayo Clinic Laboratories, Mayo Clinic); PubMed 9090523 (cited by Mayo Clinic Laboratories, Mayo Clinic); PubMed 9603435 (cited by Mayo Clinic Laboratories, Mayo Clinic); PubMed 8123671 (cited by Ambry Genetics); PubMed 8672428 (cited by Ambry Genetics); PubMed 9694901 (cited by Ambry Genetics); PubMed 11707436 (cited by Ambry Genetics); PubMed 16698036 (cited by Ambry Genetics); PubMed 6959123 (cited by Counsyl and OMIM).

NM_000520.6(HEXA):c.1444G>A (p.Glu482Lys)

Gene: HEXA (hexosaminidase subunit alpha; minus strand). Cytogenetic location: 15q23.
Variant type: single nucleotide variant.
Coding change: c.1444G>A on transcript NM_000520.6 (MANE Select); coding-DNA position 1444, G replaced by A.
Protein change: p.Glu482Lys; replaces glutamic acid 482 with lysine.
Molecular consequence: missense variant. On other transcripts: non-coding transcript variant (1).
Genome position (GRCh38, 1-based): chr15:72,345,528, C>T on the plus strand (G>A on the coding strand, the complement: HEXA is on the minus strand). VCF-style: chr15-72345528-C-T. GRCh37 (hg19) VCF-style: chr15-72637869-C-T.
Other names: c.1477G>A, p.Glu493Lys (NM_001318825.2); short protein forms E482K, E493K.
Identifiers: ClinVar variation 3892 (VCV000003892.180), dbSNP rs121907952, ClinGen allele CA252906.
Genomic context (GRCh38, chr15:72,345,528, plus strand): 5'-GTGACAAACGTTCATAGGCAAATGTCAGGTCAGATGTCAACTTGTTGCTCCACAGCCTTT[C>T]GGCAACAGCCCCTGCTCTGGGCCTGGAGGAAAAGGGGCATGTGCCAGATTGGGCCCTGTA-3'
Protein context (NP_000511.2, residues 472-492): RLWPRAGAVA[Glu482Lys]RLWSNKLTSD